The following is an entry in ClinVar:

ClinVar aggregate classification (germline): Uncertain significance. Review status: criteria provided, multiple submitters, no conflicts (2 of 4 stars). 2 submissions from 2 submitters: Uncertain significance (2). Last evaluated 2022-10-12.

Conditions:
Inborn genetic diseases. Identifiers: MedGen C0950123, MeSH D030342.

Allele frequency attached by ClinVar (database versions not stated): gnomAD exomes 0.00007; gnomAD 0.00010; TOPMed 0.00011.
gnomAD v4.1: 70 of 981,310 alleles (0.0071%); highest among the groups gnomAD compares: African/African-American, 0.025%; no homozygotes.

Submissions (2):

Ambry Genetics
Classification: Uncertain significance for Inborn genetic diseases. Last evaluated: 2022-10-12. Review status: criteria provided, single submitter. Criteria: Ambry Variant Classification Scheme 2023. Collection method: clinical testing. Allele origin: germline.

Labcorp Genetics (formerly Invitae), Labcorp
Classification: Uncertain significance. Last evaluated: 2022-10-12. Review status: criteria provided, single submitter. Criteria: Invitae Variant Classification Sherloc (09022015). Collection method: clinical testing. Allele origin: germline.
Comment: In summary, the available evidence is currently insufficient to determine the role of this variant in disease. Therefore, it has been classified as a Variant of Uncertain Significance. Algorithms developed to predict the effect of missense changes on protein structure and function are either unavailable or do not agree on the potential impact of this missense change (SIFT: "Deleterious"; PolyPhen-2: "Benign"; Align-GVGD: "Class C0"). This variant has not been reported in the literature in individuals affected with KIAA1549-related conditions. This variant is present in population databases (no rsID available, gnomAD 0.04%). This sequence change replaces arginine, which is basic and polar, with glutamine, which is neutral and polar, at codon 5 of the KIAA1549 protein (p.Arg5Gln).

NM_001164665.2(KIAA1549):c.14G>A (p.Arg5Gln)

Gene: KIAA1549 (KIAA1549; minus strand). Cytogenetic location: 7q34.
Variant type: single nucleotide variant.
Coding change: c.14G>A on transcript NM_001164665.2 (MANE Select); coding-DNA position 14, G replaced by A.
Protein change: p.Arg5Gln; replaces arginine 5 with glutamine.
Molecular consequence: missense variant.
Genome position (GRCh38, 1-based): chr7:138,981,256, C>T on the plus strand (G>A on the coding strand, the complement: KIAA1549 is on the minus strand). VCF-style: chr7-138981256-C-T. GRCh37 (hg19) VCF-style: chr7-138666002-C-T.
Other names: c.14G>A, p.Arg5Gln (NM_020910.3); short protein forms R5Q.
Identifiers: ClinVar variation 1989353 (VCV001989353.3), dbSNP rs996029218, ClinGen allele CA167169345.